The following is an entry in ClinVar:

NM_001046.3(SLC12A2):c.1431T>A (p.Phe477Leu)

Gene: SLC12A2 (solute carrier family 12 member 2; plus strand). Cytogenetic location: 5q23.3.
Variant type: single nucleotide variant.
Coding change: c.1431T>A on transcript NM_001046.3 (MANE Select); coding-DNA position 1431, T replaced by A.
Protein change: p.Phe477Leu; replaces phenylalanine 477 with leucine.
Molecular consequence: missense variant. On other transcripts: non-coding transcript variant (1).
Genome position (GRCh38, 1-based): chr5:128,138,619, T>A. VCF-style: chr5-128138619-T-A. GRCh37 (hg19) VCF-style: chr5-127474311-T-A.
Other names: c.1431T>A, p.Phe477Leu (NM_001256461.2); short protein forms F477L.
Identifiers: ClinVar variation 2152263 (VCV002152263.12), dbSNP rs748604489, ClinGen allele CA3393122.
Genomic context (GRCh38, chr5:128,138,619, plus strand): 5'-CTCTCCATTAATTGTCAAGAATATTTTGTTCTCTGCAGCTGAAATATTTAATGAGAACTT[T>A]GGGCCCGATTTTCGAGAGGAAGAGACTTTCTTTTCTGTATTTGCCATCTTTTTTCCTGCT-3'
Protein context (NP_001037.1, residues 467-487): GYKSEIFNEN[Phe477Leu]GPDFREEETF

ClinVar aggregate classification (germline): Uncertain significance. Review status: criteria provided, multiple submitters, no conflicts (2 of 4 stars). 2 submissions from 2 submitters: Uncertain significance (2). Last evaluated 2025-06-01.

Allele frequency attached by ClinVar (database versions not stated): TOPMed 0.00001; gnomAD exomes 0.00002; ExAC 0.00004.
gnomAD v4.1: 33 of 1,610,722 alleles (0.002%); highest among the groups gnomAD compares: Middle Eastern, 0.066%; no homozygotes.

Submissions (2):

CeGaT Center for Human Genetics Tuebingen
Classification: Uncertain significance. Last evaluated: 2025-06-01. Review status: criteria provided, single submitter. Criteria: CeGaT Center For Human Genetics Tuebingen Variant Classification Criteria Version 2. Collection method: clinical testing. Allele origin: germline. Affected: yes. Observed: 1 variant allele.
Comment: SLC12A2: PM2

Labcorp Genetics (formerly Invitae), Labcorp
Classification: Uncertain significance. Last evaluated: 2022-06-08. Review status: criteria provided, single submitter. Criteria: Invitae Variant Classification Sherloc (09022015). Collection method: clinical testing. Allele origin: germline.
Comment: In summary, the available evidence is currently insufficient to determine the role of this variant in disease. Therefore, it has been classified as a Variant of Uncertain Significance. Advanced modeling of protein sequence and biophysical properties (such as structural, functional, and spatial information, amino acid conservation, physicochemical variation, residue mobility, and thermodynamic stability) performed at Invitae indicates that this missense variant is not expected to disrupt SLC12A2 protein function. This variant has not been reported in the literature in individuals affected with SLC12A2-related conditions. This variant is present in population databases (rs748604489, gnomAD 0.005%). This sequence change replaces phenylalanine, which is neutral and non-polar, with leucine, which is neutral and non-polar, at codon 477 of the SLC12A2 protein (p.Phe477Leu).